The following is an entry in ClinVar:

NM_001267550.2(TTN):c.60493dup (p.His20165fs)

Genes: TTN (titin; minus strand), TTN-AS1 (TTN antisense RNA 1; plus strand). Cytogenetic location: 2q31.2.
Variant type: Duplication.
Coding change: c.60493dup on transcript NM_001267550.2 (MANE Select); coding-DNA position 60493, one base duplicated (C; older notation c.60493dupC).
Protein change: p.His20165fs; shifts the reading frame from histidine 20165.
Molecular consequence: frameshift variant. On other transcripts: non-coding transcript variant (1).
Genome position (GRCh38, 1-based): chr2:178,591,232, G duplicated on the plus strand (C on the coding strand, the reverse complement: TTN is on the minus strand). VCF-style (leftmost placement, unchanged base first): chr2-178591231-T-TG. GRCh37 (hg19) VCF-style: chr2-179455958-T-TG.
Other names: c.55570dup, p.His18524fs (NM_001256850.1); c.33298dup, p.His11100fs (NM_003319.4); c.52789dup, p.His17597fs (NM_133378.4); c.33673dup, p.His11225fs (NM_133432.3); c.33874dup, p.His11292fs (NM_133437.4); short protein forms H11225fs, H20165fs, H18524fs, H11100fs, H11292fs, H17597fs.
Identifiers: ClinVar variation 2031957 (VCV002031957.4), dbSNP rs2469469405, ClinGen allele CA2580064859.

ClinVar aggregate classification (germline): Likely pathogenic (1 of 4 stars; one submission).

Conditions:
Dilated cardiomyopathy 1G (CMD1G). Identifiers: Orphanet 154, MedGen C1858763, MONDO:0011400, OMIM 604145.
Autosomal recessive limb-girdle muscular dystrophy type 2J (LGMDR10). Also called: Limb-girdle muscular dystrophy, type 2J; MUSCULAR DYSTROPHY, LIMB-GIRDLE, AUTOSOMAL RECESSIVE 10. Identifiers: Orphanet 140922, MedGen C1837342, MONDO:0012127, OMIM 608807.

Submission:

Labcorp Genetics (formerly Invitae), Labcorp
Classification: Likely pathogenic for Dilated cardiomyopathy 1G; Autosomal recessive limb-girdle muscular dystrophy type 2J. Last evaluated: 2022-09-29. Review status: criteria provided, single submitter. Criteria: Invitae Variant Classification Sherloc (09022015). Collection method: clinical testing. Allele origin: germline.
Comment: This variant has not been reported in the literature in individuals affected with TTN-related conditions. This variant is located in the A band of TTN (PMID: 25589632). Truncating variants in this region are significantly overrepresented in patients affected with dilated cardiomyopathy (PMID: 25589632). Truncating variants in this region have also been reported in individuals affected with autosomal recessive centronuclear myopathy (PMID: 23975875). In summary, the currently available evidence indicates that the variant is pathogenic, but additional data are needed to prove that conclusively. Therefore, this variant has been classified as Likely Pathogenic. This sequence change creates a premature translational stop signal (p.His20165Profs*6) in the TTN gene. While this is not anticipated to result in nonsense mediated decay, it is expected to create a truncated TTN protein. This variant is not present in population databases (gnomAD no frequency).

Literature cited by the submitters: PubMed 25589632; PubMed 23975875.